The following is an entry in ClinVar:

ClinVar aggregate classification (germline): Uncertain significance (1 of 4 stars; one submission).

Conditions:
Long QT syndrome 1 (LQT1). Identifiers: Orphanet 101016, Orphanet 768, MedGen C4551647, MONDO:0100316, OMIM 192500, MONDO:0008646.

gnomAD v4.1: 1 of 1,614,050 alleles (0.000062%); highest among the groups gnomAD compares: Non-Finnish European, 0.000085%; no homozygotes.

Submission:

Labcorp Genetics (formerly Invitae), Labcorp
Classification: Uncertain significance for Long QT syndrome 1. Last evaluated: 2024-10-24. Review status: criteria provided, single submitter. Criteria: Invitae Variant Classification Sherloc (09022015). Collection method: clinical testing. Allele origin: germline.
Comment: This sequence change affects codon 59 of the CALM3 mRNA. It is a 'silent' change, meaning that it does not change the encoded amino acid sequence of the CALM3 protein. It affects a nucleotide within the consensus splice site. This variant is not present in population databases (gnomAD no frequency). This variant has not been reported in the literature in individuals affected with CALM3-related conditions. Algorithms developed to predict the effect of sequence changes on RNA splicing suggest that this variant is not likely to affect RNA splicing. In summary, the available evidence is currently insufficient to determine the role of this variant in disease. Therefore, it has been classified as a Variant of Uncertain Significance.

NM_005184.4(CALM3):c.177T>C (p.Asp59=)

Gene: CALM3 (calmodulin 3; plus strand). Cytogenetic location: 19q13.32.
Variant type: single nucleotide variant.
Coding change: c.177T>C on transcript NM_005184.4 (MANE Select); coding-DNA position 177, T replaced by C.
Protein change: p.Asp59=; no amino-acid change (aspartic acid 59 retained).
Molecular consequence: synonymous variant.
Genome position (GRCh38, 1-based): chr19:46,608,339, T>C. VCF-style: chr19-46608339-T-C. GRCh37 (hg19) VCF-style: chr19-47111596-T-C.
Other names: c.69T>C, p.Asp23= (NM_001329921.1, NM_001329923.1, NM_001329924.2 and 2 more transcripts); c.177T>C, p.Asp59= (NM_001329922.1).
Identifiers: ClinVar variation 3710009 (VCV003710009.2).